The following is an entry in ClinVar:

ClinVar aggregate classification (germline): Conflicting classifications of pathogenicity. Review status: criteria provided, conflicting classifications (1 of 4 stars). 6 submissions from 6 submitters: Uncertain significance (4); Likely benign (1). 1 of the submissions does not count toward it. Last evaluated 2024-11-01.

Conditions:
Hereditary breast ovarian cancer syndrome. Also called: Hereditary breast and/or ovarian cancer syndrome; Hereditary breast and ovarian cancer; Hereditary breast and ovarian cancer syndrome; Hereditary breast and ovarian cancer syndrome (HBOC); Breast and ovarian cancer; BRCA1- and BRCA2-Associated Hereditary Breast and Ovarian Cancer. Identifiers: Orphanet 145, MedGen C0677776, MeSH D061325, MONDO:0003582. Disease mechanism: loss of function.
Hereditary cancer-predisposing syndrome. Also called: Hereditary neoplastic syndrome; Neoplastic Syndromes, Hereditary; Hereditary Cancer Syndrome; Tumor predisposition. Identifiers: Orphanet 140162, MedGen C0027672, MeSH D009386, MONDO:0015356.
Breast-ovarian cancer, familial, susceptibility to, 1 (BROVCA1). Also called: BRCA1 Hereditary Breast and Ovarian Cancer; OVARIAN CANCER, SUSCEPTIBILITY TO. Identifiers: Orphanet 145, MedGen C2676676, MONDO:0011450, OMIM 604370. Disease mechanism: loss of function.

Submissions (6):

CeGaT Center for Human Genetics Tuebingen
Classification: Uncertain significance. Last evaluated: 2024-11-01. Review status: criteria provided, single submitter. Criteria: CeGaT Center For Human Genetics Tuebingen Variant Classification Criteria Version 2. Collection method: clinical testing. Allele origin: germline. Affected: yes. Observed: 1 variant allele.
Comment: BRCA1: PM2, BP1, BP4

Ambry Genetics
Classification: Uncertain significance for Hereditary cancer-predisposing syndrome. Last evaluated: 2023-07-07. Review status: criteria provided, single submitter. Criteria: Ambry Variant Classification Scheme 2023. Collection method: clinical testing. Allele origin: germline.
Comment: The p.P747S variant (also known as c.2239C>T), located in coding exon 9 of the BRCA1 gene, results from a C to T substitution at nucleotide position 2239. The proline at codon 747 is replaced by serine, an amino acid with similar properties. This amino acid position is not well conserved in available vertebrate species. In addition, the in silico prediction for this alteration is inconclusive. Since supporting evidence is limited at this time, the clinical significance of this alteration remains unclear.

Color Diagnostics, LLC DBA Color Health
Classification: Uncertain significance for Hereditary cancer-predisposing syndrome. Last evaluated: 2023-05-31. Review status: criteria provided, single submitter. Criteria: ACMG Guidelines, 2015. Collection method: clinical testing. Allele origin: germline.
Comment: This missense variant replaces proline with serine at codon 747 of the BRCA1 protein. Computational prediction suggests that this variant may not impact protein structure and function (internally defined REVEL score threshold <= 0.5, PMID: 27666373). To our knowledge, functional studies have not been reported for this variant. This variant has not been reported in individuals affected with BRCA1-related disorders in the literature. This variant has not been identified in the general population by the Genome Aggregation Database (gnomAD). The available evidence is insufficient to determine the role of this variant in disease conclusively. Therefore, this variant is classified as a Variant of Uncertain Significance.

University of Washington Department of Laboratory Medicine, University of Washington
Classification: Likely benign for Hereditary cancer-predisposing syndrome. Last evaluated: 2023-03-23. Review status: criteria provided, single submitter. Criteria: Dines et al. (Genet Med. 2020). Collection method: curation. Allele origin: germline.
Comment: Missense variant in a coldspot region where missense variants are very unlikely to be pathogenic (PMID:31911673).

BRCA1 coldspot (exon 11 using historical exon numbering). Reclassification based on statistical prior probability

Labcorp Genetics (formerly Invitae), Labcorp
Classification: Uncertain significance for Hereditary breast ovarian cancer syndrome. Last evaluated: 2022-08-16. Review status: criteria provided, single submitter. Criteria: Invitae Variant Classification Sherloc (09022015). Collection method: clinical testing. Allele origin: germline.
Comment: In summary, the available evidence is currently insufficient to determine the role of this variant in disease. Therefore, it has been classified as a Variant of Uncertain Significance. Advanced modeling of protein sequence and biophysical properties (such as structural, functional, and spatial information, amino acid conservation, physicochemical variation, residue mobility, and thermodynamic stability) performed at Invitae indicates that this missense variant is not expected to disrupt BRCA1 protein function. ClinVar contains an entry for this variant (Variation ID: 462580). This variant has not been reported in the literature in individuals affected with BRCA1-related conditions. This variant is not present in population databases (gnomAD no frequency). This sequence change replaces proline, which is neutral and non-polar, with serine, which is neutral and polar, at codon 747 of the BRCA1 protein (p.Pro747Ser).

Counsyl
Classification: Uncertain significance for Breast-ovarian cancer, familial, susceptibility to, 1. Last evaluated: 2018-04-09. Review status: no assertion criteria provided. Collection method: clinical testing. Allele origin: unknown. Not counted in ClinVar's aggregate classification.

NM_007294.4(BRCA1):c.2239C>T (p.Pro747Ser)

Gene: BRCA1 (BRCA1 DNA repair associated; minus strand). Cytogenetic location: 17q21.31.
Variant type: single nucleotide variant.
Coding change: c.2239C>T on transcript NM_007294.4 (MANE Select); coding-DNA position 2239, C replaced by T.
Protein change: p.Pro747Ser; replaces proline 747 with serine.
Molecular consequence: missense variant. On other transcripts: intron variant (137).
Genome position (GRCh38, 1-based): chr17:43,093,292, G>A on the plus strand (C>T on the coding strand, the complement: BRCA1 is on the minus strand). VCF-style: chr17-43093292-G-A. GRCh37 (hg19) VCF-style: chr17-41245309-G-A.
Other names: c.2236C>T, p.Pro746Ser (NM_001407611.1, NM_001407612.1, NM_001407613.1 and 22 more transcripts); c.2239C>T, p.Pro747Ser (NM_001407616.1, NM_001407617.1, NM_001407618.1 and 30 more transcripts); c.2161C>T, p.Pro721Ser (NM_001407653.1, NM_001407654.1, NM_001407655.1 and 4 more transcripts); c.2158C>T, p.Pro720Ser (NM_001407659.1, NM_001407660.1, NM_001407661.1 and 1 more transcripts); c.2113C>T, p.Pro705Ser (NM_001407671.1, NM_001407672.1, NM_001407673.1 and 11 more transcripts); c.2116C>T, p.Pro706Ser (NM_001407674.1, NM_001407675.1, NM_001407676.1 and 19 more transcripts); c.2098C>T, p.Pro700Ser (NM_001407692.1, NM_001407694.1, NM_001407695.1 and 29 more transcripts); c.2026C>T, p.Pro676Ser (NM_001407571.1, NM_001407853.1, NM_001407894.1 and 9 more transcripts); and 41 more; short protein forms P747S, P700S, P699S, P720S, P619S, P636S, P676S, P705S.
Identifiers: ClinVar variation 462580 (VCV000462580.35), dbSNP rs1555590087, ClinGen allele CA10597520.